The following is an entry in ClinVar:

NM_001079802.2(FKTN):c.910+1G>C

Gene: FKTN (fukutin; plus strand). Cytogenetic location: 9q31.2.
Variant type: single nucleotide variant.
Coding change: c.910+1G>C on transcript NM_001079802.2 (MANE Select); the canonical splice donor site of the intron after coding-DNA position 910, G replaced by C.
Molecular consequence: splice donor variant.
Genome position (GRCh38, 1-based): chr9:105,615,408, G>C. VCF-style: chr9-105615408-G-C. GRCh37 (hg19) VCF-style: chr9-108377689-G-C.
Other names: c.910+1G>C (NM_001198963.2, NM_001351498.2, NM_006731.2 and 1 more transcripts); c.514+1G>C (NM_001351501.2, NM_001351502.2, NM_001351499.2 and 1 more transcripts); c.841+1G>C (NM_001351497.2).
Identifiers: ClinVar variation 2675731 (VCV002675731.4), dbSNP rs2539659214, ClinGen allele CA374377366.

ClinVar aggregate classification (germline): Pathogenic/Likely pathogenic. Review status: criteria provided, multiple submitters, no conflicts (2 of 4 stars). 2 submissions from 2 submitters: Pathogenic (1); Likely pathogenic (1). Last evaluated 2023-05-25.

Conditions:
Walker-Warburg congenital muscular dystrophy. Also called: Muscular dystrophy-dystroglycanopathy, type A; Walker-Warburg syndrome. Identifiers: Orphanet 899, MedGen C0265221, MONDO:0000171.
Dilated cardiomyopathy 1X (CMD1X). Also called: CARDIOMYOPATHY, DILATED, WITH MILD OR NO PROXIMAL MUSCLE WEAKNESS; FKTN-Related Dilated Cardiomyopathy. Identifiers: Orphanet 154, MedGen C1969024, MONDO:0012704, OMIM 611615.

Submissions (2):

Labcorp Genetics (formerly Invitae), Labcorp
Classification: Pathogenic for Walker-Warburg congenital muscular dystrophy. Last evaluated: 2023-05-25. Review status: criteria provided, single submitter. Criteria: Invitae Variant Classification Sherloc (09022015). Collection method: clinical testing. Allele origin: germline.
Comment: For these reasons, this variant has been classified as Pathogenic. Algorithms developed to predict the effect of sequence changes on RNA splicing suggest that this variant may disrupt the consensus splice site. Disruption of this splice site has been observed in individual(s) with FKTN-related conditions (Invitae). In at least one individual the data is consistent with being in trans (on the opposite chromosome) from a pathogenic variant. This variant is not present in population databases (gnomAD no frequency). This sequence change affects a donor splice site in intron 8 of the FKTN gene. It is expected to disrupt RNA splicing. Variants that disrupt the donor or acceptor splice site typically lead to a loss of protein function (PMID: 16199547), and loss-of-function variants in FKTN are known to be pathogenic (PMID: 17044012, 17878207, 18752264).

Baylor Genetics
Classification: Likely pathogenic for Dilated cardiomyopathy 1X. Last evaluated: 2022-10-13. Review status: criteria provided, single submitter. Criteria: ACMG Guidelines, 2015. Collection method: clinical testing. Allele origin: unknown.

Literature cited by the submitters: PubMed 16199547 (cited by Labcorp Genetics (formerly Invitae), Labcorp); PubMed 17044012 (cited by Labcorp Genetics (formerly Invitae), Labcorp); PubMed 17878207 (cited by Labcorp Genetics (formerly Invitae), Labcorp); PubMed 18752264 (cited by Labcorp Genetics (formerly Invitae), Labcorp).